The following is an entry in ClinVar:

ClinVar aggregate classification (germline): Likely benign. Review status: criteria provided, single submitter (1 of 4 stars). 2 submissions from 2 submitters: Likely benign (1). 1 of the submissions does not count toward it. Last evaluated 2024-07-16.

Conditions:
HCN2-related disorder. Also called: HCN2-related condition.

gnomAD v4.1: 593 of 1,613,024 alleles (0.037%); highest among the groups gnomAD compares: African/African-American, 0.7%; 1 homozygote.

Submissions (2):

Blueprint Genetics
Classification: Likely benign. Last evaluated: 2024-07-16. Review status: criteria provided, single submitter. Criteria: ACMG Guidelines, 2015. Collection method: clinical testing. Allele origin: germline.

PreventionGenetics, part of Exact Sciences
Classification: Benign for HCN2-related condition. Last evaluated: 2024-03-11. Review status: no assertion criteria provided. Collection method: clinical testing. Allele origin: germline. Not counted in ClinVar's aggregate classification.
Comment: This variant is classified as benign based on ACMG/AMP sequence variant interpretation guidelines (Richards et al. 2015 PMID: 25741868, with internal and published modifications).

NM_001194.4(HCN2):c.1290C>T (p.Tyr430=)

Gene: HCN2 (hyperpolarization activated cyclic nucleotide gated potassium and sodium channel 2; plus strand). Cytogenetic location: 19p13.3.
Variant type: single nucleotide variant.
Coding change: c.1290C>T on transcript NM_001194.4 (MANE Select); coding-DNA position 1290, C replaced by T.
Protein change: p.Tyr430=; no amino-acid change (tyrosine 430 retained).
Molecular consequence: synonymous variant.
Genome position (GRCh38, 1-based): chr19:608,035, C>T. VCF-style: chr19-608035-C-T. GRCh37 (hg19) VCF-style: chr19-608035-C-T.
Identifiers: ClinVar variation 3353254 (VCV003353254.2).
Genomic context (GRCh38, chr19:608,035, plus strand): 5'-GAGTGAACTGTACTCCTTCGCACTCTTCAAGGCCATGAGCCACATGCTGTGCATCGGGTA[C>T]GGCCGGCAGGCGCCCGAGAGCATGACGGACATCTGGCTGACCATGCTCAGCATGATTGTG-3'
Protein context (NP_001185.3, residues 420-440): KAMSHMLCIG[Tyr430=]GRQAPESMTD